The following is an entry in ClinVar:

NM_018297.4(NGLY1):c.1363C>T (p.Leu455Phe)

Gene: NGLY1 (N-glycanase 1; minus strand). Cytogenetic location: 3p24.2.
Variant type: single nucleotide variant.
Coding change: c.1363C>T on transcript NM_018297.4 (MANE Select); coding-DNA position 1363, C replaced by T.
Protein change: p.Leu455Phe; replaces leucine 455 with phenylalanine.
Molecular consequence: missense variant.
Genome position (GRCh38, 1-based): chr3:25,732,381, G>A on the plus strand (C>T on the coding strand, the complement: NGLY1 is on the minus strand). VCF-style: chr3-25732381-G-A. GRCh37 (hg19) VCF-style: chr3-25773872-G-A.
Other names: c.1309C>T, p.Leu437Phe (NM_001145293.2); c.1237C>T, p.Leu413Phe (NM_001145294.2); c.1363C>T, p.Leu455Phe (NM_001145295.2); short protein forms L413F, L437F, L455F.
Identifiers: ClinVar variation 842955 (VCV000842955.5), dbSNP rs375966958, ClinGen allele CA2289180.

ClinVar aggregate classification (germline): Uncertain significance. Review status: criteria provided, multiple submitters, no conflicts (2 of 4 stars). 2 submissions from 2 submitters: Uncertain significance (2). Last evaluated 2025-04-03.

Conditions:
Inborn genetic diseases. Identifiers: MedGen C0950123, MeSH D030342.
Congenital disorder of deglycosylation (CDDG). Identifiers: MedGen C3808991, MONDO:0031376.

Allele frequency attached by ClinVar (database versions not stated): ExAC 0.00007; gnomAD 0.00015 and 0.00013; gnomAD exomes 0.00001 and 0.00005; TOPMed 0.00015; ESP Exome Variant Server 0.00015.
gnomAD v4.1: 33 of 1,613,646 alleles (0.002%); highest among the groups gnomAD compares: African/African-American, 0.041%; no homozygotes.

Submissions (2):

Ambry Genetics
Classification: Uncertain significance for Inborn genetic diseases. Last evaluated: 2025-04-03. Review status: criteria provided, single submitter. Criteria: Ambry Variant Classification Scheme 2023. Collection method: clinical testing. Allele origin: germline.

Labcorp Genetics (formerly Invitae), Labcorp
Classification: Uncertain significance for Congenital disorder of deglycosylation. Last evaluated: 2022-08-16. Review status: criteria provided, single submitter. Criteria: Invitae Variant Classification Sherloc (09022015). Collection method: clinical testing. Allele origin: germline.
Comment: This sequence change replaces leucine, which is neutral and non-polar, with phenylalanine, which is neutral and non-polar, at codon 455 of the NGLY1 protein (p.Leu455Phe). This variant is present in population databases (rs375966958, gnomAD 0.06%). This variant has not been reported in the literature in individuals affected with NGLY1-related conditions. ClinVar contains an entry for this variant (Variation ID: 842955). Algorithms developed to predict the effect of missense changes on protein structure and function (SIFT, PolyPhen-2, Align-GVGD) all suggest that this variant is likely to be tolerated. In summary, the available evidence is currently insufficient to determine the role of this variant in disease. Therefore, it has been classified as a Variant of Uncertain Significance.